The following is an entry in ClinVar:

NM_004260.4(RECQL4):c.1483+3G>A

Gene: RECQL4 (RecQ like helicase 4; minus strand). Cytogenetic location: 8q24.3.
Variant type: single nucleotide variant.
Coding change: c.1483+3G>A on transcript NM_004260.4 (MANE Select); 3 bases into the intron after coding-DNA position 1483, G replaced by A.
Molecular consequence: intron variant.
Genome position (GRCh38, 1-based): chr8:144,515,147, C>T on the plus strand (G>A on the coding strand, the complement: RECQL4 is on the minus strand). VCF-style: chr8-144515147-C-T. GRCh37 (hg19) VCF-style: chr8-145740531-C-T.
Identifiers: ClinVar variation 1041446 (VCV001041446.5), dbSNP rs771224692, ClinGen allele CA4948848.
Genomic context (GRCh38, chr8:144,515,147, plus strand): 5'-AGTCAGCAGCAGGGTTCTGCAGCCTGGCCTCAGCCCAGCCTCAGCCCTGGCAGCCACGCT[C>T]ACCAGACAGGATCCGCATGACTGCACGCTCCTGCCCAGGGCGAAAGGCTTGGTGCCCCAG-3'

ClinVar aggregate classification (germline): Uncertain significance (1 of 4 stars; one submission).

Conditions:
Baller-Gerold syndrome (BGS). Also called: CRANIOSYNOSTOSIS WITH RADIAL DEFECTS. Identifiers: Orphanet 1225, MedGen C0265308, MONDO:0009039, OMIM 218600.

Allele frequency attached by ClinVar (database versions not stated): gnomAD exomes 0.00001 and 0.00002; ExAC 0.00003.

Submission:

Labcorp Genetics (formerly Invitae), Labcorp
Classification: Uncertain significance for Baller-Gerold syndrome. Last evaluated: 2023-10-28. Review status: criteria provided, single submitter. Criteria: Invitae Variant Classification Sherloc (09022015). Collection method: clinical testing. Allele origin: germline.
Comment: This sequence change falls in intron 8 of the RECQL4 gene. It does not directly change the encoded amino acid sequence of the RECQL4 protein. It affects a nucleotide within the consensus splice site. This variant is present in population databases (rs771224692, gnomAD 0.009%). This variant has not been reported in the literature in individuals affected with RECQL4-related conditions. ClinVar contains an entry for this variant (Variation ID: 1041446). Variants that disrupt the consensus splice site are a relatively common cause of aberrant splicing (PMID: 17576681, 9536098). Algorithms developed to predict the effect of sequence changes on RNA splicing suggest that this variant is not likely to affect RNA splicing. In summary, the available evidence is currently insufficient to determine the role of this variant in disease. Therefore, it has been classified as a Variant of Uncertain Significance.

Literature cited by the submitters: PubMed 17576681; PubMed 9536098.